The following is an entry in ClinVar:

ClinVar aggregate classification (germline): Conflicting classifications of pathogenicity. Review status: criteria provided, conflicting classifications (1 of 4 stars). 12 submissions from 11 submitters: Uncertain significance (2); Benign (1); Likely benign (6). 3 of the submissions do not count toward it. Last evaluated 2026-07-01.

Conditions:
Hereditary spastic paraplegia. Also called: Familial spastic paraparesis. Identifiers: Orphanet 685, MedGen C0037773, MONDO:0019064. Disease mechanism: loss of function.
ALS2-related disorder. Also called: ALS2-related condition; ALS2-related disorders; ALS2-Related Spectrum Disorders. Identifiers: MedGen CN169291.
Amyotrophic lateral sclerosis type 2, juvenile. Also called: ALS, JUVENILE; Amyotrophic lateral sclerosis type 2. Identifiers: Orphanet 300605, MedGen C1859807, MONDO:0008780, OMIM 205100.
Infantile-onset ascending hereditary spastic paralysis (IAHSP). Also called: Autosomal Recessive Juvenile Amyotrophic Lateral Sclerosis; Infantile-Onset Ascending Hereditary Spastic Paralysis (IAHSP). Identifiers: Orphanet 293168, MedGen C2931441, MONDO:0011797, OMIM 607225. Disease mechanism: loss of function.

Allele frequency attached by ClinVar (database versions not stated): 1000 Genomes Project 30x 0.00016; 1000 Genomes Project 0.00020; gnomAD exomes 0.00101 and 0.00134; gnomAD 0.00112; TOPMed 0.00112; ExAC 0.00114; ESP Exome Variant Server 0.00161.
gnomAD v4.1: 2,093 of 1,613,580 alleles (0.13%); highest among the groups gnomAD compares: Non-Finnish European, 0.17%; 4 homozygotes.

Submissions (12):

CeGaT Center for Human Genetics Tuebingen
Classification: Likely benign. Last evaluated: 2026-07-01. Review status: criteria provided, single submitter. Criteria: CeGaT Center For Human Genetics Tuebingen Variant Classification Criteria Version 2. Collection method: clinical testing. Allele origin: germline. Affected: yes. Observed: 10 variant alleles.
Comment: ALS2: BP4, BP7

Labcorp Genetics (formerly Invitae), Labcorp
Classification: Likely benign for Infantile-onset ascending hereditary spastic paralysis. Last evaluated: 2026-01-27. Review status: criteria provided, single submitter. Criteria: Invitae Variant Classification Sherloc (09022015). Collection method: clinical testing. Allele origin: germline.

Athena Diagnostics
Classification: Benign. Last evaluated: 2025-10-08. Review status: criteria provided, single submitter. Criteria: Athena Diagnostics Criteria. Collection method: clinical testing. Allele origin: unknown.
Comment: The frequency of this variant in the general population is higher than would generally be expected for pathogenic variants in this gene. Computational tools yielded predictions that this variant is unlikely to have an effect on normal RNA splicing. This nucleotide position exhibits low evolutionary conservation.

Mayo Clinic Laboratories, Mayo Clinic
Classification: Likely benign. Last evaluated: 2025-01-31. Review status: criteria provided, single submitter. Criteria: ACMG Guidelines, 2015. Collection method: clinical testing. Allele origin: germline. Observed: 5 variant alleles.
Comment: BS1, BP4, BP7

Blueprint Genetics
Classification: Likely benign. Last evaluated: 2024-11-18. Review status: criteria provided, single submitter. Criteria: ACMG Guidelines, 2015. Collection method: clinical testing. Allele origin: germline.

Genome Diagnostics Laboratory, The Hospital for Sick Children
Classification: Likely benign for Hereditary spastic paraplegia. Last evaluated: 2021-07-12. Review status: criteria provided, single submitter. Criteria: ACMG Guidelines, 2015. Collection method: clinical testing. Allele origin: germline. Affected: yes.

GeneDx
Classification: Likely benign. Last evaluated: 2021-01-30. Review status: criteria provided, single submitter. Criteria: GeneDx Variant Classification Process June 2021. Collection method: clinical testing. Allele origin: germline. Affected: yes.

Illumina Laboratory Services, Illumina
Classification: Uncertain significance for ALS2-Related Disorders. Last evaluated: 2017-04-27. Review status: criteria provided, single submitter. Criteria: ICSL Variant Classification Criteria 13 December 2019. Collection method: clinical testing. Allele origin: germline.

Illumina Laboratory Services, Illumina
Classification: Uncertain significance for Amyotrophic lateral sclerosis type 2. Last evaluated: 2017-04-27. Review status: criteria provided, single submitter. Criteria: ICSL Variant Classification Criteria 13 December 2019. Collection method: clinical testing. Allele origin: germline.

PreventionGenetics, part of Exact Sciences
Classification: Likely benign for ALS2-related condition. Last evaluated: 2019-08-29. Review status: no assertion criteria provided. Collection method: clinical testing. Allele origin: germline. Not counted in ClinVar's aggregate classification.
Comment: This variant is classified as likely benign based on ACMG/AMP sequence variant interpretation guidelines (Richards et al. 2015 PMID: 25741868, with internal and published modifications).

Clinical Genetics DNA and cytogenetics Diagnostics Lab, Erasmus MC, Erasmus Medical Center
Classification: Likely benign. Review status: no assertion criteria provided. Collection method: clinical testing. Allele origin: germline. Affected: yes. Study: VKGL Data-share Consensus. Not counted in ClinVar's aggregate classification.

Genome Diagnostics Laboratory, Amsterdam University Medical Center
Classification: Likely benign. Review status: no assertion criteria provided. Collection method: clinical testing. Allele origin: germline. Affected: yes. Study: VKGL Data-share Consensus. Not counted in ClinVar's aggregate classification.

Literature cited by the submitters: PubMed 20077034 (cited by Athena Diagnostics); PubMed 23881933 (cited by Athena Diagnostics).

NM_020919.4(ALS2):c.3741T>G (p.Gly1247=)

Gene: ALS2 (alsin Rho guanine nucleotide exchange factor ALS2; minus strand). Cytogenetic location: 2q33.1.
Variant type: single nucleotide variant.
Coding change: c.3741T>G on transcript NM_020919.4 (MANE Select); coding-DNA position 3741, T replaced by G.
Protein change: p.Gly1247=; no amino-acid change (glycine 1247 retained).
Molecular consequence: synonymous variant.
Genome position (GRCh38, 1-based): chr2:201,718,172, A>C on the plus strand (T>G on the coding strand, the complement: ALS2 is on the minus strand). VCF-style: chr2-201718172-A-C. GRCh37 (hg19) VCF-style: chr2-202582895-A-C.
Other names: p.Gly1247=.
Identifiers: ClinVar variation 417159 (VCV000417159.61), dbSNP rs3219166, ClinGen allele CA2057766.
Genomic context (GRCh38, chr2:201,718,172, plus strand): 5'-ACTAGGTTTGAAGTAGGTTCCAGTGATTTTTATCCCAGATCCCCATTCTCCACTAAAATA[A>C]CCTTCAATGTAGTCTCCATTTGGCATAGTCAGTGTTCCCTAGGTAAAGTCAGAGAATAAA-3'
Protein context (NP_065970.2, residues 1237-1257): LTMPNGDYIE[Gly1247=]YFSGEWGSGI